The following is an entry in ClinVar:

NM_206933.4(USH2A):c.5644G>A (p.Gly1882Ser)

Genes: USH2A (usherin; minus strand), USH2A-AS2 (USH2A antisense RNA 2; plus strand). Cytogenetic location: 1q41.
Variant type: single nucleotide variant.
Coding change: c.5644G>A on transcript NM_206933.4 (MANE Select); coding-DNA position 5644, G replaced by A.
Protein change: p.Gly1882Ser; replaces glycine 1882 with serine.
Molecular consequence: missense variant.
Genome position (GRCh38, 1-based): chr1:216,073,229, C>T on the plus strand (G>A on the coding strand, the complement: USH2A is on the minus strand). VCF-style: chr1-216073229-C-T. GRCh37 (hg19) VCF-style: chr1-216246571-C-T.
Other names: c.5644G>A (NM_206933.2); short protein forms G1882S.
Identifiers: ClinVar variation 2142602 (VCV002142602.3), dbSNP rs773098743, ClinGen allele CA1395392.

ClinVar aggregate classification (germline): Conflicting classifications of pathogenicity. Review status: criteria provided, conflicting classifications (1 of 4 stars). 2 submissions from 2 submitters: Uncertain significance (1); Likely benign (1). Last evaluated 2025-01-30.

Conditions:
Inborn genetic diseases. Identifiers: MedGen C0950123, MeSH D030342.

Allele frequency attached by ClinVar (database versions not stated): ExAC 0.00001; gnomAD 0.00001; gnomAD exomes 0.00002; TOPMed 0.00002.
gnomAD v4.1: 35 of 1,613,692 alleles (0.0022%); highest among the groups gnomAD compares: African/African-American, 0.004%; no homozygotes.

Submissions (2):

Labcorp Genetics (formerly Invitae), Labcorp
Classification: Uncertain significance. Last evaluated: 2025-01-30. Review status: criteria provided, single submitter. Criteria: Invitae Variant Classification Sherloc (09022015). Collection method: clinical testing. Allele origin: germline.
Comment: This sequence change replaces glycine, which is neutral and non-polar, with serine, which is neutral and polar, at codon 1882 of the USH2A protein (p.Gly1882Ser). This variant is present in population databases (rs773098743, gnomAD 0.002%). This variant has not been reported in the literature in individuals affected with USH2A-related conditions. ClinVar contains an entry for this variant (Variation ID: 2142602). Invitae Evidence Modeling of protein sequence and biophysical properties (such as structural, functional, and spatial information, amino acid conservation, physicochemical variation, residue mobility, and thermodynamic stability) indicates that this missense variant is not expected to disrupt USH2A protein function with a negative predictive value of 95%. Algorithms developed to predict the effect of sequence changes on RNA splicing suggest that this variant may disrupt the consensus splice site. In summary, the available evidence is currently insufficient to determine the role of this variant in disease. Therefore, it has been classified as a Variant of Uncertain Significance.

Ambry Genetics
Classification: Likely benign for Inborn genetic diseases. Last evaluated: 2024-03-30. Review status: criteria provided, single submitter. Criteria: Ambry Variant Classification Scheme 2023. Collection method: clinical testing. Allele origin: germline.